The following is an entry in ClinVar:

NM_001042424.3(NSD2):c.3888C>T (p.Cys1296=)

Gene: NSD2 (nuclear receptor binding SET domain protein 2; plus strand). Cytogenetic location: 4p16.3.
Variant type: single nucleotide variant.
Coding change: c.3888C>T on transcript NM_001042424.3 (MANE Select); coding-DNA position 3888, C replaced by T.
Protein change: p.Cys1296=; no amino-acid change (cysteine 1296 retained).
Molecular consequence: synonymous variant.
Genome position (GRCh38, 1-based): chr4:1,978,699, C>T. VCF-style: chr4-1978699-C-T. GRCh37 (hg19) VCF-style: chr4-1980426-C-T.
Other names: c.3888C>T, p.Cys1296= (NM_133330.3, NM_133331.3, NM_133335.4).
Identifiers: ClinVar variation 2138838 (VCV002138838.28), dbSNP rs199570333, ClinGen allele CA2812896.

ClinVar aggregate classification (germline): Likely benign. Review status: criteria provided, multiple submitters, no conflicts (2 of 4 stars). 2 submissions from 2 submitters: Likely benign (2). Last evaluated 2026-02-01.

Allele frequency attached by ClinVar (database versions not stated): ExAC 0.00008; gnomAD exomes 0.00008; gnomAD 0.00009; TOPMed 0.00011; ESP Exome Variant Server 0.00015; 1000 Genomes Project 30x 0.00016; 1000 Genomes Project 0.00020.
gnomAD v4.1: 133 of 1,614,042 alleles (0.0082%); highest among the groups gnomAD compares: Admixed American, 0.022%; no homozygotes.

Submissions (2):

Labcorp Genetics (formerly Invitae), Labcorp
Classification: Likely benign. Last evaluated: 2026-02-01. Review status: criteria provided, single submitter. Criteria: Invitae Variant Classification Sherloc (09022015). Collection method: clinical testing. Allele origin: germline.

CeGaT Center for Human Genetics Tuebingen
Classification: Likely benign. Last evaluated: 2022-07-01. Review status: criteria provided, single submitter. Criteria: CeGaT Center For Human Genetics Tuebingen Variant Classification Criteria Version 2. Collection method: clinical testing. Allele origin: germline. Affected: yes. Observed: 1 variant allele.
Comment: NSD2: BP4, BP7